The following is an entry in ClinVar:

NM_000051.4(ATM):c.8310C>G (p.Cys2770Trp)

Genes: ATM (ATM serine/threonine kinase; plus strand), C11orf65 (chromosome 11 open reading frame 65; minus strand). Cytogenetic location: 11q22.3.
Variant type: single nucleotide variant.
Coding change: c.8310C>G on transcript NM_000051.4 (MANE Select); coding-DNA position 8310, C replaced by G.
Protein change: p.Cys2770Trp; replaces cysteine 2770 with tryptophan.
Molecular consequence: missense variant. On other transcripts: intron variant (2).
Genome position (GRCh38, 1-based): chr11:108,343,263, C>G. VCF-style: chr11-108343263-C-G. GRCh37 (hg19) VCF-style: chr11-108213990-C-G.
Other names: c.8310C>G, p.Cys2770Trp (NM_001351834.2); c.641-34192G>C (NM_001330368.2); c.695-7971G>C (NM_001351110.2); short protein forms C2770W.
Identifiers: ClinVar variation 1432023 (VCV001432023.8), dbSNP rs1555135544, ClinGen allele CA382516362.

ClinVar aggregate classification (germline): Uncertain significance (1 of 4 stars; one submission).

Conditions:
Ataxia-telangiectasia syndrome (AT). Also called: Ataxia-telangiectasia; LOUIS-BAR SYNDROME; Ataxia-telangiectasia, complementation group D; AT, COMPLEMENTATION GROUP C; ATAXIA-TELANGIECTASIA, COMPLEMENTATION GROUP A; ATAXIA-TELANGIECTASIA, FRESNO VARIANT. Identifiers: Orphanet 100, MedGen C0004135, MONDO:0008840, OMIM 208900.

Submission:

Labcorp Genetics (formerly Invitae), Labcorp
Classification: Uncertain significance for Ataxia-telangiectasia syndrome. Last evaluated: 2025-10-27. Review status: criteria provided, single submitter. Criteria: Invitae Variant Classification Sherloc (09022015). Collection method: clinical testing. Allele origin: germline.
Comment: This sequence change replaces cysteine, which is neutral and slightly polar, with tryptophan, which is neutral and slightly polar, at codon 2770 of the ATM protein (p.Cys2770Trp). This variant is not present in population databases (gnomAD no frequency). This variant has not been reported in the literature in individuals affected with ATM-related conditions. ClinVar contains an entry for this variant (Variation ID: 1432023). Invitae Evidence Modeling of protein sequence and biophysical properties (such as structural, functional, and spatial information, amino acid conservation, physicochemical variation, residue mobility, and thermodynamic stability) indicates that this missense variant is expected to disrupt ATM protein function with a positive predictive value of 95%. In summary, the available evidence is currently insufficient to determine the role of this variant in disease. Therefore, it has been classified as a Variant of Uncertain Significance.